The following is an entry in ClinVar:

NM_015272.5(RPGRIP1L):c.1514C>T (p.Thr505Met)

Gene: RPGRIP1L (RPGRIP1 like; minus strand). Cytogenetic location: 16q12.2.
Variant type: single nucleotide variant.
Coding change: c.1514C>T on transcript NM_015272.5 (MANE Select); coding-DNA position 1514, C replaced by T.
Protein change: p.Thr505Met; replaces threonine 505 with methionine.
Molecular consequence: missense variant.
Genome position (GRCh38, 1-based): chr16:53,657,520, G>A on the plus strand (C>T on the coding strand, the complement: RPGRIP1L is on the minus strand). VCF-style: chr16-53657520-G-A. GRCh37 (hg19) VCF-style: chr16-53691432-G-A.
Other names: c.1514C>T, p.Thr505Met (NM_001127897.4, NM_001308334.3, NM_001330538.2); c.1514C>T (NM_015272.4); short protein forms T505M.
Identifiers: ClinVar variation 2040878 (VCV002040878.5), dbSNP rs752275762, ClinGen allele CA8057780.
Genomic context (GRCh38, chr16:53,657,520, plus strand): 5'-TCTTTATTAATTTTGTGTTGCATAATTAGCATGTTTCTTGTCTTTTCCAGCTCTTGCACC[G>A]TTTCTGCATGAGTTGCTTGCAGCTCTCTCATAGAGCGTTCTAGATCTTTATTAATTTCAC-3'
Protein context (NP_056087.2, residues 495-515): MRELQATHAE[Thr505Met]VQELEKTRNM

ClinVar aggregate classification (germline): Uncertain significance. Review status: criteria provided, multiple submitters, no conflicts (2 of 4 stars). 2 submissions from 2 submitters: Uncertain significance (2). Last evaluated 2026-01-25.

Conditions:
RPGRIP1L-related disorder. Also called: RPGRIP1L-related disorders; RPGRIP1L-related condition. Identifiers: MedGen CN239416.
Joubert syndrome. Also called: Familial aplasia of the vermis; JOUBERT-BOLTSHAUSER SYNDROME. Identifiers: Orphanet 475, MedGen C5979921, MONDO:0018772.
Meckel-Gruber syndrome. Also called: Dysencephalia splachnocystica; DYSENCEPHALIA SPLANCHNOCYSTICA; GRUBER SYNDROME. Identifiers: Orphanet 564, MedGen C0265215, MONDO:0018921.

Allele frequency attached by ClinVar (database versions not stated): ExAC 0.00001; gnomAD exomes 0.00001; TOPMed 0.00001; gnomAD 0.00002.
gnomAD v4.1: 11 of 1,612,242 alleles (0.00068%); highest among the groups gnomAD compares: Admixed American, 0.0017%; no homozygotes.

Submissions (2):

Labcorp Genetics (formerly Invitae), Labcorp
Classification: Uncertain significance for Joubert syndrome; Meckel-Gruber syndrome. Last evaluated: 2026-01-25. Review status: criteria provided, single submitter. Criteria: Invitae Variant Classification Sherloc (09022015). Collection method: clinical testing. Allele origin: germline.
Comment: This sequence change replaces threonine, which is neutral and polar, with methionine, which is neutral and non-polar, at codon 505 of the RPGRIP1L protein (p.Thr505Met). This variant is present in population databases (rs752275762, gnomAD 0.003%). This variant has not been reported in the literature in individuals affected with RPGRIP1L-related conditions. ClinVar contains an entry for this variant (Variation ID: 2040878). Invitae Evidence Modeling of protein sequence and biophysical properties (such as structural, functional, and spatial information, amino acid conservation, physicochemical variation, residue mobility, and thermodynamic stability) indicates that this missense variant is expected to disrupt RPGRIP1L protein function with a positive predictive value of 80%. In summary, the available evidence is currently insufficient to determine the role of this variant in disease. Therefore, it has been classified as a Variant of Uncertain Significance.

PreventionGenetics, part of Exact Sciences
Classification: Uncertain significance for RPGRIP1L-related condition. Last evaluated: 2025-12-19. Review status: criteria provided, single submitter. Criteria: ACMG Guidelines, 2015. Collection method: clinical testing. Allele origin: germline.
Comment: The RPGRIP1L c.1514C>T variant is predicted to result in the amino acid substitution p.Thr505Met. To our knowledge, this variant has not been reported in the literature. This variant is reported in 0.0029% of alleles in individuals of Latino descent in gnomAD. At this time, the clinical significance of this variant is uncertain due to the absence of conclusive functional and genetic evidence.